The following is an entry in ClinVar:

ClinVar aggregate classification (germline): Uncertain significance. Review status: criteria provided, multiple submitters, no conflicts (2 of 4 stars). 2 submissions from 2 submitters: Uncertain significance (2). Last evaluated 2025-12-11.

Allele frequency attached by ClinVar (database versions not stated): gnomAD exomes 0.00001 and 0.00004; ExAC 0.00002; TOPMed 0.00001.
gnomAD v4.1: 12 of 1,528,390 alleles (0.00079%); highest among the groups gnomAD compares: Admixed American, 0.017%; no homozygotes.

Submissions (2):

Ambry Genetics
Classification: Uncertain significance. Last evaluated: 2025-12-11. Review status: criteria provided, single submitter. Criteria: Ambry Variant Classification Scheme 2023. Collection method: clinical testing. Allele origin: germline.

Labcorp Genetics (formerly Invitae), Labcorp
Classification: Uncertain significance. Last evaluated: 2022-10-13. Review status: criteria provided, single submitter. Criteria: Invitae Variant Classification Sherloc (09022015). Collection method: clinical testing. Allele origin: germline.
Comment: This sequence change replaces glycine, which is neutral and non-polar, with serine, which is neutral and polar, at codon 327 of the SCP2 protein (p.Gly327Ser). This variant is present in population databases (rs775353158, gnomAD 0.03%). This variant has not been reported in the literature in individuals affected with SCP2-related conditions. ClinVar contains an entry for this variant (Variation ID: 1356812). Algorithms developed to predict the effect of missense changes on protein structure and function are either unavailable or do not agree on the potential impact of this missense change (SIFT: "Tolerated"; PolyPhen-2: "Possibly Damaging"; Align-GVGD: "Class C0"). In summary, the available evidence is currently insufficient to determine the role of this variant in disease. Therefore, it has been classified as a Variant of Uncertain Significance.

NM_002979.5(SCP2):c.979G>A (p.Gly327Ser)

Gene: SCP2 (sterol carrier protein 2; plus strand). Cytogenetic location: 1p32.3.
Variant type: single nucleotide variant.
Coding change: c.979G>A on transcript NM_002979.5 (MANE Select); coding-DNA position 979, G replaced by A.
Protein change: p.Gly327Ser; replaces glycine 327 with serine.
Molecular consequence: missense variant.
Genome position (GRCh38, 1-based): chr1:52,988,034, G>A. VCF-style: chr1-52988034-G-A. GRCh37 (hg19) VCF-style: chr1-53453706-G-A.
Other names: c.847G>A, p.Gly283Ser (NM_001007098.3, NM_001193600.2); c.907G>A, p.Gly303Ser (NM_001193599.2); c.736G>A, p.Gly246Ser (NM_001193617.2); c.979G>A, p.Gly327Ser (NM_001330587.2); c.979G>A (NM_002979.4); short protein forms G303S, G327S, G246S, G283S.
Identifiers: ClinVar variation 1356812 (VCV001356812.4), dbSNP rs775353158, ClinGen allele CA857274.
Genomic context (GRCh38, chr1:52,988,034, plus strand): 5'-TCATTTGTTCTATTGTTACTATTAATATTTGTGAATACTATTTTTTCTTCTATAGGACAA[G>A]GTGCAACGCTGGTTGATAGAGGAGATAATACATATGGAGGAAAGTGGGTCATAAATCCTA-3'
Protein context (NP_002970.2, residues 317-337): EALGLCPEGQ[Gly327Ser]ATLVDRGDNT